The following is an entry in ClinVar:

NM_000372.5(TYR):c.1109T>C (p.Met370Thr)

Gene: TYR (tyrosinase; plus strand). Cytogenetic location: 11q14.3.
Variant type: single nucleotide variant.
Coding change: c.1109T>C on transcript NM_000372.5 (MANE Select); coding-DNA position 1109, T replaced by C.
Protein change: p.Met370Thr; replaces methionine 370 with threonine.
Molecular consequence: missense variant.
Genome position (GRCh38, 1-based): chr11:89,227,895, T>C. VCF-style: chr11-89227895-T-C. GRCh37 (hg19) VCF-style: chr11-88961063-T-C.
Other names: short protein forms M370T.
Identifiers: ClinVar variation 99533 (VCV000099533.2), dbSNP rs61754385, ClinGen allele CA227497.
Genomic context (GRCh38, chr11:89,227,895, plus strand): 5'-CACTTACTGGGATAGCGGATGCCTCTCAAAGCAGCATGCACAATGCCTTGCACATCTATA[T>C]GAATGGAACAATGTCCCAGGTACAGGGATCTGCCAACGATCCTATCTTCCTTCTTCACCA-3'
Protein context (NP_000363.1, residues 360-380): SSMHNALHIY[Met370Thr]NGTMSQVQGS

ClinVar aggregate classification (germline): Uncertain significance. Review status: criteria provided, single submitter (1 of 4 stars). 2 submissions from 2 submitters: Uncertain significance (1). 1 of the submissions does not count toward it. Last evaluated 2023-07-26.

Allele frequency attached by ClinVar (database versions not stated): gnomAD exomes below 0.00001; ExAC 0.00001.
gnomAD v4.1: 1 of 1,613,666 alleles (0.000062%); highest among the groups gnomAD compares: African/African-American, 0.0013%; no homozygotes.

Submissions (2):

Women's Health and Genetics/Laboratory Corporation of America, LabCorp
Classification: Uncertain significance. Last evaluated: 2023-07-26. Review status: criteria provided, single submitter. Criteria: LabCorp Variant Classification Summary - May 2015. Collection method: clinical testing. Allele origin: germline.
Comment: Variant summary: TYR c.1109T>C (p.Met370Thr) results in a non-conservative amino acid change located in the copper-binding domain (IPR002227) of the encoded protein sequence. Five of five in-silico tools predict a damaging effect of the variant on protein function. The variant was absent in 250946 control chromosomes (gnomAD). c.1109T>C has been reported in the literature as a compound heterozygous genotype in at least two individuals affected with Albinism/Oculocutaneous Albinism (Breimer_1994, Wei_2022). These data indicate that the variant may be associated with disease. To our knowledge, no experimental evidence demonstrating an impact on protein function has been reported. The following publications have been ascertained in the context of this evaluation (PMID: 7955413, 34838614). No submitters have cited clinical-significance assessments for this variant to ClinVar after 2014. Based on the evidence outlined above, the variant was classified as VUS-possibly pathogenic.

Retina International
No classification provided. Review status: no classification provided. Collection method: not provided. Allele origin: not provided. Not counted in ClinVar's aggregate classification.

Literature cited by the submitters: PubMed 34838614 (cited by Women's Health and Genetics/Laboratory Corporation of America, LabCorp); PubMed 7955413 (cited by Women's Health and Genetics/Laboratory Corporation of America, LabCorp).